The following is an entry in ClinVar:

ClinVar aggregate classification (germline): Benign. Review status: criteria provided, multiple submitters, no conflicts (2 of 4 stars). 6 submissions from 6 submitters: Benign (6). Last evaluated 2026-02-04.

Conditions:
ATP6V0A4-related disorder. Also called: ATP6V0A4-related condition.
Autosomal recessive distal renal tubular acidosis. Identifiers: Orphanet 402041, MedGen C1864498, MONDO:0018440.

Allele frequency attached by ClinVar (database versions not stated): gnomAD exomes 0.00214 and 0.00582; ExAC 0.00728; 1000 Genomes Project 0.02077; gnomAD 0.02236 and 0.02390; 1000 Genomes Project 30x 0.02374; TOPMed 0.02463; ESP Exome Variant Server 0.02491.
gnomAD v4.1: 6,712 of 1,614,112 alleles (0.42%); highest among the groups gnomAD compares: African/African-American, 7.8%; 262 homozygotes.

Submissions (10):

Labcorp Genetics (formerly Invitae), Labcorp
Classification: Benign. Last evaluated: 2026-02-04. Review status: criteria provided, single submitter. Criteria: Invitae Variant Classification Sherloc (09022015). Collection method: clinical testing. Allele origin: germline.

PreventionGenetics, part of Exact Sciences
Classification: Benign for ATP6V0A4-related condition. Last evaluated: 2024-10-28. Review status: criteria provided, single submitter. Criteria: ACMG Guidelines, 2015. Collection method: clinical testing. Allele origin: germline.
Comment: This variant is classified as benign based on ACMG/AMP sequence variant interpretation guidelines (Richards et al. 2015 PMID: 25741868, with internal and published modifications).

Mayo Clinic Laboratories, Mayo Clinic
Classification: Benign. Last evaluated: 2023-04-03. Review status: criteria provided, single submitter. Criteria: ACMG Guidelines, 2015. Collection method: clinical testing. Allele origin: germline. Observed: 4 variant alleles.

GeneDx
Classification: Benign. Last evaluated: 2020-05-04. Review status: criteria provided, single submitter. Criteria: GeneDx Variant Classification Process June 2021. Collection method: clinical testing. Allele origin: germline. Affected: yes.

Illumina Laboratory Services, Illumina
Classification: Benign for Renal tubular acidosis, distal, 3, with or without sensorineural hearing loss. Last evaluated: 2018-01-12. Review status: criteria provided, single submitter. Criteria: ICSL Variant Classification Criteria 13 December 2019. Collection method: clinical testing. Allele origin: germline.
Comment: This variant was observed in the ICSL laboratory as part of a predisposition screen in an ostensibly healthy population. It had not been previously curated by ICSL or reported in the Human Gene Mutation Database (HGMD: prior to June 1st, 2018), and was therefore a candidate for classification through an automated scoring system. Utilizing variant allele frequency, disease prevalence and penetrance estimates, and inheritance mode, an automated score was calculated to assess if this variant is too frequent to cause the disease. Based on the score and internal cut-off values, a variant classified as benign is not then subjected to further curation. The score for this variant resulted in a classification of benign for this disease.

Breakthrough Genomics
Classification: Benign. Review status: criteria provided, single submitter. Criteria: ACMG Guidelines, 2015. Collection method: not provided. Allele origin: germline. Inheritance: Autosomal recessive inheritance. Affected: yes.

Dr. Peter K. Rogan Lab, Western University
No classification provided (evidence only). Condition: Uterine corpus endometrial carcinoma. Review status: no classification provided. Collection method: in vitro. Allele origin: not applicable. Functional consequence: retained intron. Not counted in ClinVar's aggregate classification.

Dr. Peter K. Rogan Lab, Western University
No classification provided (evidence only). Condition: Uterine corpus endometrial carcinoma. Review status: no classification provided. Collection method: in vitro. Allele origin: not applicable. Functional consequence: retained intron. Not counted in ClinVar's aggregate classification.

Dr. Peter K. Rogan Lab, Western University
No classification provided (evidence only). Condition: Cervical cancer. Review status: no classification provided. Collection method: in vitro. Allele origin: not applicable. Functional consequence: retained intron. Not counted in ClinVar's aggregate classification.

Dr. Peter K. Rogan Lab, Western University
No classification provided (evidence only). Condition: Nonpapillary renal cell carcinoma. Review status: no classification provided. Collection method: in vitro. Allele origin: not applicable. Functional consequence: skipped exon, retained intron. Not counted in ClinVar's aggregate classification.

NM_020632.3(ATP6V0A4):c.512+4A>G

Gene: ATP6V0A4 (ATPase H+ transporting V0 subunit a4; minus strand). Cytogenetic location: 7q34.
Variant type: single nucleotide variant.
Coding change: c.512+4A>G on transcript NM_020632.3 (MANE Select); 4 bases into the intron after coding-DNA position 512, A replaced by G.
Molecular consequence: intron variant.
Genome position (GRCh38, 1-based): chr7:138,762,336, T>C on the plus strand (A>G on the coding strand, the complement: ATP6V0A4 is on the minus strand). VCF-style: chr7-138762336-T-C. GRCh37 (hg19) VCF-style: chr7-138447081-T-C.
Other names: p.?; c.512+4A>G (NM_130840.3, NM_130841.3).
Identifiers: ClinVar variation 359029 (VCV000359029.19), dbSNP rs78194949, ClinGen allele CA4505110.